The following is an entry in ClinVar:

ClinVar aggregate classification (germline): Uncertain significance. Review status: criteria provided, multiple submitters, no conflicts (2 of 4 stars). 2 submissions from 2 submitters: Uncertain significance (2). Last evaluated 2023-03-09.

Conditions:
Hypertrophic cardiomyopathy. Also called: HYPERTROPHIC MYOCARDIOPATHY. Identifiers: Orphanet 217569, MedGen C0007194, MeSH D002312, MONDO:0005045, HP:0001639.

Allele frequency attached by ClinVar (database versions not stated): TOPMed 0.00001.

Submissions (2):

All of Us Research Program, National Institutes of Health
Classification: Uncertain significance for Hypertrophic cardiomyopathy. Last evaluated: 2023-03-09. Review status: criteria provided, single submitter. Criteria: ACMG Guidelines, 2015. Collection method: clinical testing. Allele origin: germline. Inheritance: Autosomal dominant inheritance. Observed: 1 variant allele, 1 heterozygote.
Comment: This missense variant replaces proline with alanine at codon 14 of the TNNI3 protein. Computational prediction suggests that this variant may not impact protein structure and function (internally defined REVEL score threshold <= 0.5, PMID: 27666373). To our knowledge, functional studies have not been reported for this variant. This variant has not been reported in individuals affected with TNNI3-related disorders in the literature. This variant has not been identified in the general population by the Genome Aggregation Database (gnomAD). The available evidence is insufficient to determine the role of this variant in disease conclusively. Therefore, this variant is classified as a Variant of Uncertain Significance.

This study involves interpretation of variants in research participants for the purpose of population health screening. Participant phenotype was not available at the time of variant classification. Additional details can be found in publication PMID: 35346344, PMCID: PMC8962531

Labcorp Genetics (formerly Invitae), Labcorp
Classification: Uncertain significance for Hypertrophic cardiomyopathy. Last evaluated: 2023-03-07. Review status: criteria provided, single submitter. Criteria: Invitae Variant Classification Sherloc (09022015). Collection method: clinical testing. Allele origin: germline.
Comment: In summary, the available evidence is currently insufficient to determine the role of this variant in disease. Therefore, it has been classified as a Variant of Uncertain Significance. Experimental studies and prediction algorithms are not available or were not evaluated, and the functional significance of this variant is currently unknown. This variant has not been reported in the literature in individuals affected with TNNI3-related conditions. This variant is not present in population databases (gnomAD no frequency). This sequence change replaces proline, which is neutral and non-polar, with alanine, which is neutral and non-polar, at codon 14 of the TNNI3 protein (p.Pro14Ala).

NM_000363.5(TNNI3):c.40C>G (p.Pro14Ala)

Gene: TNNI3 (troponin I3, cardiac type; minus strand). Cytogenetic location: 19q13.42.
Variant type: single nucleotide variant.
Coding change: c.40C>G on transcript NM_000363.5 (MANE Select); coding-DNA position 40, C replaced by G.
Protein change: p.Pro14Ala; replaces proline 14 with alanine.
Molecular consequence: missense variant.
Genome position (GRCh38, 1-based): chr19:55,157,118, G>C on the plus strand (C>G on the coding strand, the complement: TNNI3 is on the minus strand). VCF-style: chr19-55157118-G-C. GRCh37 (hg19) VCF-style: chr19-55668486-G-C.
Other names: short protein forms P14A.
Identifiers: ClinVar variation 2810947 (VCV002810947.4), dbSNP rs2085738832, ClinGen allele CA407443197.